The following is an entry in ClinVar:

NM_022042.4(SLC26A1):c.74G>A (p.Arg25Gln)

Genes: IDUA (alpha-L-iduronidase; plus strand), SLC26A1 (solute carrier family 26 member 1; minus strand). Cytogenetic location: 4p16.3.
Variant type: single nucleotide variant.
Coding change: c.74G>A on transcript NM_022042.4 (MANE Select); coding-DNA position 74, G replaced by A.
Protein change: p.Arg25Gln; replaces arginine 25 with glutamine.
Molecular consequence: missense variant. On other transcripts: intron variant (1).
Genome position (GRCh38, 1-based): chr4:991,630, C>T on the plus strand (G>A on the coding strand, the complement: SLC26A1 is on the minus strand). VCF-style: chr4-991630-C-T. GRCh37 (hg19) VCF-style: chr4-985418-C-T.
Other names: c.74G>A, p.Arg25Gln (NM_134425.4, NM_213613.4); c.299+3681C>T (NM_000203.5); c.74G>A (NM_022042.3); short protein forms R25Q.
Identifiers: ClinVar variation 1639378 (VCV001639378.35), dbSNP rs35719765, ClinGen allele CA2801778.

ClinVar aggregate classification (germline): Likely benign. Review status: criteria provided, multiple submitters, no conflicts (2 of 4 stars). 6 submissions from 6 submitters: Likely benign (5). 1 of the submissions does not count toward it. Last evaluated 2026-01-14.

Conditions:
Inborn genetic diseases. Identifiers: MedGen C0950123, MeSH D030342.
SLC26A1-related disorder. Also called: SLC26A1-related condition.

Allele frequency attached by ClinVar (database versions not stated): 1000 Genomes Project 30x 0.00062; gnomAD 0.00076 and 0.00083; 1000 Genomes Project 0.00080; ESP Exome Variant Server 0.00085; TOPMed 0.00086; ExAC 0.00101; gnomAD exomes 0.00109.
gnomAD v4.1: 1,584 of 1,576,186 alleles (0.1%); highest among the groups gnomAD compares: Middle Eastern, 1.5%; 8 homozygotes.

Submissions (6):

Labcorp Genetics (formerly Invitae), Labcorp
Classification: Likely benign. Last evaluated: 2026-01-14. Review status: criteria provided, single submitter. Criteria: Invitae Variant Classification Sherloc (09022015). Collection method: clinical testing. Allele origin: germline.

Blueprint Genetics
Classification: Likely benign. Last evaluated: 2024-10-24. Review status: criteria provided, single submitter. Criteria: ACMG Guidelines, 2015. Collection method: clinical testing. Allele origin: germline.

CeGaT Center for Human Genetics Tuebingen
Classification: Likely benign. Last evaluated: 2023-08-01. Review status: criteria provided, single submitter. Criteria: CeGaT Center For Human Genetics Tuebingen Variant Classification Criteria Version 2. Collection method: clinical testing. Allele origin: germline. Affected: yes. Observed: 1 variant allele.
Comment: SLC26A1: BP4, BS2

Ambry Genetics
Classification: Likely benign for Inborn genetic diseases. Last evaluated: 2022-02-17. Review status: criteria provided, single submitter. Criteria: Ambry Variant Classification Scheme 2023. Collection method: clinical testing. Allele origin: germline.

Breakthrough Genomics
Classification: Likely benign. Review status: criteria provided, single submitter. Criteria: ACMG Guidelines, 2015. Collection method: not provided. Allele origin: germline. Inheritance: Autosomal recessive inheritance. Affected: yes.

PreventionGenetics, part of Exact Sciences
Classification: Likely benign for SLC26A1-related condition. Last evaluated: 2024-03-07. Review status: no assertion criteria provided. Collection method: clinical testing. Allele origin: germline. Not counted in ClinVar's aggregate classification.
Comment: This variant is classified as likely benign based on ACMG/AMP sequence variant interpretation guidelines (Richards et al. 2015 PMID: 25741868, with internal and published modifications).